The following is an entry in ClinVar:

ClinVar aggregate classification (germline): Benign. Review status: criteria provided, multiple submitters, no conflicts (2 of 4 stars). 2 submissions from 2 submitters: Benign (2). Last evaluated 2018-06-14.

Allele frequency attached by ClinVar (database versions not stated): 1000 Genomes Project 30x 0.31621; 1000 Genomes Project 0.32049; gnomAD 0.32789 and 0.33204; TOPMed 0.32875.
gnomAD v4.1: 454,022 of 1,104,550 alleles (41%); highest among the groups gnomAD compares: East Asian, 57%; 100,590 homozygotes.

Submissions (2):

GeneDx
Classification: Benign. Last evaluated: 2018-06-14. Review status: criteria provided, single submitter. Criteria: GeneDx Variant Classification (06012015). Collection method: clinical testing. Allele origin: germline. Affected: yes.
Comment: This variant is considered likely benign or benign based on one or more of the following criteria: it is a conservative change, it occurs at a poorly conserved position in the protein, it is predicted to be benign by multiple in silico algorithms, and/or has population frequency not consistent with disease.

Breakthrough Genomics
Classification: Benign. Review status: criteria provided, single submitter. Criteria: ACMG Guidelines, 2015. Collection method: not provided. Allele origin: germline. Inheritance: Autosomal dominant inheritance. Affected: yes.

NM_000346.4(SOX9):c.685+132C>G

Gene: SOX9 (SRY-box transcription factor 9; plus strand). Cytogenetic location: 17q24.3.
Variant type: single nucleotide variant.
Coding change: c.685+132C>G on transcript NM_000346.4 (MANE Select); 132 bases into the intron after coding-DNA position 685, C replaced by G.
Molecular consequence: intron variant.
Genome position (GRCh38, 1-based): chr17:72,123,104, C>G. VCF-style: chr17-72123104-C-G. GRCh37 (hg19) VCF-style: chr17-70119245-C-G.
Identifiers: ClinVar variation 667625 (VCV000667625.2), dbSNP rs12950966, ClinGen allele CA14385930.